The following is an entry in ClinVar:

ClinVar aggregate classification (germline): Uncertain significance (1 of 4 stars; one submission).

Allele frequency attached by ClinVar (database versions not stated): gnomAD 0.00002; TOPMed 0.00002; gnomAD exomes 0.00006.
gnomAD v4.1: 83 of 1,611,674 alleles (0.0051%); highest among the groups gnomAD compares: Non-Finnish European, 0.0066%; no homozygotes.

Submission:

Labcorp Genetics (formerly Invitae), Labcorp
Classification: Uncertain significance. Last evaluated: 2024-07-15. Review status: criteria provided, single submitter. Criteria: Invitae Variant Classification Sherloc (09022015). Collection method: clinical testing. Allele origin: germline.
Comment: This sequence change affects codon 1431 of the MYO3A mRNA. It is a 'silent' change, meaning that it does not change the encoded amino acid sequence of the MYO3A protein. This variant also falls at the last nucleotide of exon 30, which is part of the consensus splice site for this exon. This variant is present in population databases (no rsID available, gnomAD 0.004%). This variant has not been reported in the literature in individuals affected with MYO3A-related conditions. Variants that disrupt the consensus splice site are a relatively common cause of aberrant splicing (PMID: 17576681, 9536098). Algorithms developed to predict the effect of sequence changes on RNA splicing suggest that this variant may disrupt the consensus splice site. In summary, the available evidence is currently insufficient to determine the role of this variant in disease. Therefore, it has been classified as a Variant of Uncertain Significance.

Literature cited by the submitters: PubMed 17576681; PubMed 9536098.

NM_017433.5(MYO3A):c.4293G>A (p.Gln1431=)

Gene: MYO3A (myosin IIIA; plus strand). Cytogenetic location: 10p12.1.
Variant type: single nucleotide variant.
Coding change: c.4293G>A on transcript NM_017433.5 (MANE Select); coding-DNA position 4293, G replaced by A.
Protein change: p.Gln1431=; no amino-acid change (glutamine 1431 retained).
Molecular consequence: synonymous variant.
Genome position (GRCh38, 1-based): chr10:26,174,557, G>A. VCF-style: chr10-26174557-G-A. GRCh37 (hg19) VCF-style: chr10-26463486-G-A.
Identifiers: ClinVar variation 2705019 (VCV002705019.3), dbSNP rs1008902355, ClinGen allele CA204393683.
Genomic context (GRCh38, chr10:26,174,557, plus strand): 5'-CAAAGACTCGAAAGCAACTTCAGAAAGAGAAGCATGTGGTTTGGCAATTTTTTCAAAACA[G>A]GTATGTGAATAAATAAATTTATTTACTAATAAAAGTCCCTGGGAACTATACAATAACTGA-3'
Protein context (NP_059129.3, residues 1421-1441): EACGLAIFSK[Gln1431=]ISKLSEEYFI